The following is an entry in ClinVar:

NM_001048174.2(MUTYH):c.935A>G (p.His312Arg)

Gene: MUTYH (mutY DNA glycosylase; minus strand). Cytogenetic location: 1p34.1.
Variant type: single nucleotide variant.
Coding change: c.935A>G on transcript NM_001048174.2 (MANE Select); coding-DNA position 935, A replaced by G.
Protein change: p.His312Arg; replaces histidine 312 with arginine.
Molecular consequence: missense variant. On other transcripts: non-coding transcript variant (7).
Genome position (GRCh38, 1-based): chr1:45,331,828, T>C on the plus strand (A>G on the coding strand, the complement: MUTYH is on the minus strand). VCF-style: chr1-45331828-T-C. GRCh37 (hg19) VCF-style: chr1-45797500-T-C.
Other names: c.935A>G, p.His312Arg (NM_001048171.2, NM_001048173.2, NM_001293195.2 and 6 more transcripts); c.938A>G, p.His313Arg (NM_001048172.2, NM_001407071.1, NM_001407078.1 and 1 more transcripts); c.1019A>G, p.His340Arg (NM_001128425.2); c.980A>G, p.His327Arg (NM_001293190.2); c.968A>G, p.His323Arg (NM_001293191.2, NM_001407069.1, NM_001407077.1); c.659A>G, p.His220Arg (NM_001293192.2, NM_001293196.2, NM_001407091.1); c.590A>G, p.His197Arg (NM_001350650.2, NM_001350651.2, NM_001407082.1); c.851A>G, p.His284Arg (NM_001407075.1); and 5 more; short protein forms H284R, H299R, H313R, H319R, H326R, H312R, H220R, H337R.
Identifiers: ClinVar variation 4112926 (VCV004112926.1).
Genomic context (GRCh38, chr1:45,331,828, plus strand): 5'-CTGGGGAAGTTGACCACTCCCAGGGTCTGGTCCCAGGGCTCCGAGGGAGGCAGGCACAGG[T>C]GGCACTGTCCAGTGTTGGGAGCTGGGAACGGAGATCCCCGAACCCTACTCAAGCCAAGAG-3'
Protein context (NP_001041639.1, residues 302-322): EECAPNTGQC[His312Arg]LCLPPSEPWD

ClinVar aggregate classification (germline): Uncertain significance (1 of 4 stars; one submission).

Conditions:
Hereditary cancer-predisposing syndrome. Also called: Tumor predisposition; Neoplastic Syndromes, Hereditary; Hereditary neoplastic syndrome; Hereditary Cancer Syndrome. Identifiers: Orphanet 140162, MedGen C0027672, MeSH D009386, MONDO:0015356.

Submission:

Ambry Genetics
Classification: Uncertain significance for Hereditary cancer-predisposing syndrome. Last evaluated: 2025-08-27. Review status: criteria provided, single submitter. Criteria: Ambry Variant Classification Scheme 2023. Collection method: clinical testing. Allele origin: germline.
Comment: The p.H340R variant (also known as c.1019A>G), located in coding exon 12 of the MUTYH gene, results from an A to G substitution at nucleotide position 1019. The histidine at codon 340 is replaced by arginine, an amino acid with highly similar properties. This amino acid position is conserved. In addition, this alteration is predicted to be tolerated by in silico analysis. Based on the available evidence, the clinical significance of this variant remains unclear.